The following is an entry in ClinVar:

NM_004100.5(EYA4):c.632C>T (p.Thr211Ile)

Gene: EYA4 (EYA transcriptional coactivator and phosphatase 4; plus strand). Cytogenetic location: 6q23.2.
Variant type: single nucleotide variant.
Coding change: c.632C>T on transcript NM_004100.5 (MANE Select); coding-DNA position 632, C replaced by T.
Protein change: p.Thr211Ile; replaces threonine 211 with isoleucine.
Molecular consequence: missense variant.
Genome position (GRCh38, 1-based): chr6:133,462,672, C>T. VCF-style: chr6-133462672-C-T. GRCh37 (hg19) VCF-style: chr6-133783810-C-T.
Other names: c.470C>T, p.Thr157Ile (NM_001301012.2, NM_001370459.1); c.632C>T, p.Thr211Ile (NM_001301013.2, NM_172105.4); c.563C>T, p.Thr188Ile (NM_001370458.1, NM_172103.4); short protein forms T211I, T157I, T188I.
Identifiers: ClinVar variation 4020618 (VCV004020618.1).

ClinVar aggregate classification (germline): Uncertain significance (1 of 4 stars; one submission).

Conditions:
Cardiovascular phenotype. Identifiers: MedGen CN230736.

gnomAD v4.1: 1 of 1,613,942 alleles (0.000062%); no homozygotes.

Submission:

Ambry Genetics
Classification: Uncertain significance for Cardiovascular phenotype. Last evaluated: 2025-05-24. Review status: criteria provided, single submitter. Criteria: Ambry Variant Classification Scheme 2023. Collection method: clinical testing. Allele origin: germline.
Comment: The p.T211I variant (also known as c.632C>T), located in coding exon 8 of the EYA4 gene, results from a C to T substitution at nucleotide position 632. The threonine at codon 211 is replaced by isoleucine, an amino acid with similar properties. This amino acid position is conserved. In addition, the in silico prediction for this alteration is inconclusive. Based on the available evidence, the clinical significance of this variant remains unclear.